The following is an entry in ClinVar:

NM_007208.4(MRPL3):c.665G>A (p.Trp222Ter)

Gene: MRPL3 (mitochondrial ribosomal protein L3; minus strand). Cytogenetic location: 3q22.1.
Variant type: single nucleotide variant.
Coding change: c.665G>A on transcript NM_007208.4 (MANE Select); coding-DNA position 665, G replaced by A.
Protein change: p.Trp222Ter; replaces tryptophan 222 with a stop codon.
Molecular consequence: nonsense.
Genome position (GRCh38, 1-based): chr3:131,471,244, C>T on the plus strand (G>A on the coding strand, the complement: MRPL3 is on the minus strand). VCF-style: chr3-131471244-C-T. GRCh37 (hg19) VCF-style: chr3-131190088-C-T.
Other names: short protein forms W222*.
Identifiers: ClinVar variation 1800810 (VCV001800810.1), dbSNP rs755670166, ClinGen allele CA2616980.

ClinVar aggregate classification (germline): Uncertain significance (1 of 4 stars; one submission).

Allele frequency attached by ClinVar (database versions not stated): TOPMed below 0.00001; ExAC 0.00001; gnomAD exomes 0.00001.
gnomAD v4.1: 11 of 1,613,402 alleles (0.00068%); highest among the groups gnomAD compares: Non-Finnish European, 0.000085%; no homozygotes.

Submission:

GeneDx
Classification: Uncertain significance. Last evaluated: 2022-05-26. Review status: criteria provided, single submitter. Criteria: GeneDx Variant Classification Process June 2021. Collection method: clinical testing. Allele origin: germline. Affected: yes.
Comment: Nonsense variant predicted to result in protein truncation or nonsense mediated decay in a gene for which loss of function is a known mechanism of disease; Has not been previously published as pathogenic or benign to our knowledge